The following is an entry in ClinVar:

ClinVar aggregate classification (germline): Pathogenic. Review status: reviewed by expert panel (3 of 4 stars). 2 submissions from 2 submitters: Pathogenic (1). 1 of the submissions does not count toward it. Last evaluated 2018-12-09.

Conditions:
Phenylketonuria (PKU). Also called: Phenylketonuria (PKU); FOLLING DISEASE; OLIGOPHRENIA PHENYLPYRUVICA; Phenylketonurias. Identifiers: Orphanet 716, MedGen C0031485, MONDO:0009861, OMIM 261600. Disease mechanism: loss of function.

Allele frequency attached by ClinVar (database versions not stated): gnomAD exomes below 0.00001.
gnomAD v4.1: 3 of 1,614,034 alleles (0.00019%); highest among the groups gnomAD compares: African/African-American, 0.004%; no homozygotes.

Submissions (2):

ClinGen PAH Variant Curation Expert Panel
Classification: Pathogenic for Phenylketonuria. Last evaluated: 2018-12-09. Review status: reviewed by expert panel. Criteria: ClinGen PAH ACMG Specifications v1. Collection method: curation. Allele origin: germline. Inheritance: Autosomal recessive inheritance.
Comment: The c.865G>C (p.Gly289Arg) variant in PAH is absent from population databases and predicted deleterious with in silico prediction software. This is the same amnio acid change as a previously established pathogenic variant (c.865G>A; p.Gly289Arg). It has been identified in trans with a pathogenic variant (R155C, curated by the PAH EP), and a defect in BH4 metabolism was excluded (PMID: 22921945). In summary, this variant meets criteria to be classified as pathogenic for PAH. PAH-specific ACMG/AMP criteria applied: PP4_Moderate, PS1, PM2, PM3, PP3.

DeBelle Laboratory for Biochemical Genetics, MUHC/MCH RESEARCH INSTITUTE
No classification provided. Review status: no classification provided. Collection method: not provided. Allele origin: not provided. Not counted in ClinVar's aggregate classification.

Literature cited by the submitters: PubMed 22921945 (cited by ClinGen PAH Variant Curation Expert Panel); PubMed 23514811 (cited by ClinGen PAH Variant Curation Expert Panel).

NM_000277.3(PAH):c.865G>C (p.Gly289Arg)

Genes: PAH (phenylalanine hydroxylase; minus strand), LOC126861615 (CDK7 strongly-dependent group 2 enhancer GRCh37_chr12:103244689-103245888; plus strand). Cytogenetic location: 12q23.2.
Variant type: single nucleotide variant.
Coding change: c.865G>C on transcript NM_000277.3 (MANE Select); coding-DNA position 865, G replaced by C.
Protein change: p.Gly289Arg; replaces glycine 289 with arginine.
Molecular consequence: missense variant.
Genome position (GRCh38, 1-based): chr12:102,851,734, C>G on the plus strand (G>C on the coding strand, the complement: PAH is on the minus strand). VCF-style: chr12-102851734-C-G. GRCh37 (hg19) VCF-style: chr12-103245512-C-G.
Other names: NM_000277.2(PAH):c.865G>C; c.865G>C, p.Gly289Arg (NM_001354304.2); short protein forms G289R.
Identifiers: ClinVar variation 102882 (VCV000102882.2), dbSNP rs199475693, ClinGen allele CA229830.